The following is an entry in ClinVar:

ClinVar aggregate classification (germline): Uncertain significance (1 of 4 stars; one submission).

Allele frequency attached by ClinVar (database versions not stated): gnomAD 0.00001; gnomAD exomes 0.00001; ExAC 0.00002; TOPMed 0.00002; ESP Exome Variant Server 0.00008.
gnomAD v4.1: 12 of 1,613,954 alleles (0.00074%); highest among the groups gnomAD compares: South Asian, 0.0033%; no homozygotes.

Submission:

Labcorp Genetics (formerly Invitae), Labcorp
Classification: Uncertain significance. Last evaluated: 2024-12-02. Review status: criteria provided, single submitter. Criteria: Invitae Variant Classification Sherloc (09022015). Collection method: clinical testing. Allele origin: germline.
Comment: This sequence change affects codon 83 of the MTTP mRNA. It is a 'silent' change, meaning that it does not change the encoded amino acid sequence of the MTTP protein. This variant also falls at the last nucleotide of exon 3, which is part of the consensus splice site for this exon. This variant is present in population databases (rs373651107, gnomAD 0.0009%). This variant has not been reported in the literature in individuals affected with MTTP-related conditions. ClinVar contains an entry for this variant (Variation ID: 1054399). Variants that disrupt the consensus splice site are a relatively common cause of aberrant splicing (PMID: 17576681, 9536098). Algorithms developed to predict the effect of sequence changes on RNA splicing suggest that this variant may disrupt the consensus splice site. In summary, the available evidence is currently insufficient to determine the role of this variant in disease. Therefore, it has been classified as a Variant of Uncertain Significance.

Literature cited by the submitters: PubMed 17576681; PubMed 9536098.

NM_001386140.1(MTTP):c.249G>A (p.Thr83=)

Gene: MTTP (microsomal triglyceride transfer protein; plus strand). Cytogenetic location: 4q23.
Variant type: single nucleotide variant.
Coding change: c.249G>A on transcript NM_001386140.1 (MANE Select); coding-DNA position 249, G replaced by A.
Protein change: p.Thr83=; no amino-acid change (threonine 83 retained).
Molecular consequence: synonymous variant. On other transcripts: 5 prime UTR variant (1).
Genome position (GRCh38, 1-based): chr4:99,582,092, G>A. VCF-style: chr4-99582092-G-A. GRCh37 (hg19) VCF-style: chr4-100503249-G-A.
Other names: c.249G>A, p.Thr83= (NM_000253.4); c.-1G>A (NM_001300785.2).
Identifiers: ClinVar variation 1054399 (VCV001054399.5), dbSNP rs373651107, ClinGen allele CA3021773.